The following is an entry in ClinVar:

NM_016284.5(CNOT1):c.5012A>T (p.Asp1671Val)

Gene: CNOT1 (CCR4-NOT transcription complex subunit 1; minus strand). Cytogenetic location: 16q21.
Variant type: single nucleotide variant.
Coding change: c.5012A>T on transcript NM_016284.5 (MANE Select); coding-DNA position 5012, A replaced by T.
Protein change: p.Asp1671Val; replaces aspartic acid 1671 with valine.
Molecular consequence: missense variant. On other transcripts: non-coding transcript variant (1).
Genome position (GRCh38, 1-based): chr16:58,538,895, T>A on the plus strand (A>T on the coding strand, the complement: CNOT1 is on the minus strand). VCF-style: chr16-58538895-T-A. GRCh37 (hg19) VCF-style: chr16-58572799-T-A.
Other names: c.4997A>T, p.Asp1666Val (NM_001265612.2); short protein forms D1671V, D1666V.
Identifiers: ClinVar variation 2020784 (VCV002020784.4), dbSNP rs2039994509, ClinGen allele CA396166646.
Genomic context (GRCh38, chr16:58,538,895, plus strand): 5'-ACCAAGAGGTGGCATTCCCTGTAGCGCAGCAGAAGGTCAGCATCAGCACCACTTGTGGCA[T>A]CTAGTAAGCCCTCTACAGCCTATGGGAGAAAGAAAGCGTTCAAAACCATGAAAAATACAG-3'
Protein context (NP_057368.3, residues 1661-1681): LLQKAVEGLL[Asp1671Val]ATSGADADLL

ClinVar aggregate classification (germline): Uncertain significance (1 of 4 stars; one submission).

Submission:

Labcorp Genetics (formerly Invitae), Labcorp
Classification: Uncertain significance. Last evaluated: 2022-07-30. Review status: criteria provided, single submitter. Criteria: Invitae Variant Classification Sherloc (09022015). Collection method: clinical testing. Allele origin: germline.
Comment: This sequence change replaces aspartic acid, which is acidic and polar, with valine, which is neutral and non-polar, at codon 1666 of the CNOT1 protein (p.Asp1666Val). This variant is not present in population databases (gnomAD no frequency). This variant has not been reported in the literature in individuals affected with CNOT1-related conditions. Algorithms developed to predict the effect of missense changes on protein structure and function are either unavailable or do not agree on the potential impact of this missense change (SIFT: "Tolerated"; PolyPhen-2: "Probably Damaging"; Align-GVGD: "Class C0"). In summary, the available evidence is currently insufficient to determine the role of this variant in disease. Therefore, it has been classified as a Variant of Uncertain Significance.